The following is an entry in ClinVar:

NM_025137.4(SPG11):c.7332G>C (p.Ter2444Tyr)

Gene: SPG11 (SPG11 vesicle trafficking associated, spatacsin; minus strand). Cytogenetic location: 15q21.1.
Variant type: single nucleotide variant.
Coding change: c.7332G>C on transcript NM_025137.4 (MANE Select); coding-DNA position 7332, G replaced by C.
Protein change: p.Ter2444Tyr.
Molecular consequence: stop lost.
Genome position (GRCh38, 1-based): chr15:44,563,121, C>G on the plus strand (G>C on the coding strand, the complement: SPG11 is on the minus strand). VCF-style: chr15-44563121-C-G. GRCh37 (hg19) VCF-style: chr15-44855319-C-G.
Other names: c.6993G>C, p.Ter2331Tyr (NM_001160227.2); c.7188G>C, p.Ter2396Tyr (NM_001411132.1).
Identifiers: ClinVar variation 3730981 (VCV003730981.1).

ClinVar aggregate classification (germline): Uncertain significance (1 of 4 stars; one submission).

gnomAD v4.1: 6 of 1,613,836 alleles (0.00037%); highest among the groups gnomAD compares: Admixed American, 0.0017%; no homozygotes.

Submission:

GeneDx
Classification: Uncertain significance. Last evaluated: 2024-08-12. Review status: criteria provided, single submitter. Criteria: GeneDx Variant Classification Process June 2021. Collection method: clinical testing. Allele origin: germline. Affected: yes.
Comment: Not observed at significant frequency in large population cohorts (gnomAD); Stop codon loss and change to a tyrosine codon, leading to protein extension and the addition of 4 amino acids at the C-terminus; Has not been previously published as pathogenic or benign to our knowledge